The following is an entry in ClinVar:

ClinVar aggregate classification (germline): Likely benign (1 of 4 stars; one submission).

Allele frequency attached by ClinVar (database versions not stated): 1000 Genomes Project 0.00040; 1000 Genomes Project 30x 0.00062.

Submission:

CeGaT Center for Human Genetics Tuebingen
Classification: Likely benign. Last evaluated: 2026-02-01. Review status: criteria provided, single submitter. Criteria: CeGaT Center For Human Genetics Tuebingen Variant Classification Criteria Version 2. Collection method: clinical testing. Allele origin: germline. Affected: yes. Observed: 3 variant alleles.
Comment: BBS2: BP4, BP7

NC_000016.10:g.56570686G>T

Gene: BBS2 (Bardet-Biedl syndrome 2; minus strand). Cytogenetic location: 16q13.
Variant type: single nucleotide variant.
Genome position: GRCh38 VCF-style: chr16-56570686-G-T. GRCh37 (hg19) VCF-style: chr16-56604598-G-T.
Identifiers: ClinVar variation 3026498 (VCV003026498.22), dbSNP rs560586434, ClinGen allele CA281477678.